The following is an entry in ClinVar:

NM_000160.5(GCGR):c.1072C>G (p.Leu358Val)

Gene: GCGR (glucagon receptor; plus strand). Cytogenetic location: 17q25.3.
Variant type: single nucleotide variant.
Coding change: c.1072C>G on transcript NM_000160.5 (MANE Select); coding-DNA position 1072, C replaced by G.
Protein change: p.Leu358Val; replaces leucine 358 with valine.
Molecular consequence: missense variant.
Genome position (GRCh38, 1-based): chr17:81,812,841, C>G. VCF-style: chr17-81812841-C-G. GRCh37 (hg19) VCF-style: chr17-79770717-C-G.
Other names: short protein forms L358V.
Identifiers: ClinVar variation 2376784 (VCV002376784.3), dbSNP rs748764343, ClinGen allele CA8842183.
Genomic context (GRCh38, chr17:81,812,841, plus strand): 5'-GGGTGACTCAGGCGCTGCCTCTGCAGGCTGGCCAAGTCCACGCTGACCCTCATCCCTCTG[C>G]TGGGCGTCCACGAAGTGGTCTTCGCCTTCGTGACGGACGAGCACGCCCAGGGCACCCTGC-3'
Protein context (NP_000151.1, residues 348-368): AKSTLTLIPL[Leu358Val]GVHEVVFAFV

ClinVar aggregate classification (germline): Uncertain significance. Review status: criteria provided, multiple submitters, no conflicts (2 of 4 stars). 2 submissions from 2 submitters: Uncertain significance (2). Last evaluated 2025-07-06.

Allele frequency attached by ClinVar (database versions not stated): ExAC 0.00012; gnomAD 0.00004; gnomAD exomes 0.00005; TOPMed 0.00009.

Submissions (2):

Labcorp Genetics (formerly Invitae), Labcorp
Classification: Uncertain significance. Last evaluated: 2025-07-06. Review status: criteria provided, single submitter. Criteria: Invitae Variant Classification Sherloc (09022015). Collection method: clinical testing. Allele origin: germline.
Comment: This sequence change replaces leucine, which is neutral and non-polar, with valine, which is neutral and non-polar, at codon 358 of the GCGR protein (p.Leu358Val). This variant is present in population databases (rs748764343, gnomAD 0.06%). This variant has not been reported in the literature in individuals affected with GCGR-related conditions. ClinVar contains an entry for this variant (Variation ID: 2376784). An algorithm developed to predict the effect of missense changes on protein structure and function (PolyPhen-2) suggests that this variant is likely to be disruptive. In summary, the available evidence is currently insufficient to determine the role of this variant in disease. Therefore, it has been classified as a Variant of Uncertain Significance.

Ambry Genetics
Classification: Uncertain significance. Last evaluated: 2021-08-12. Review status: criteria provided, single submitter. Criteria: Ambry Variant Classification Scheme 2023. Collection method: clinical testing. Allele origin: germline.